The following is an entry in ClinVar:

ClinVar aggregate classification (germline): Uncertain significance (1 of 4 stars; one submission).

Allele frequency attached by ClinVar (database versions not stated): ExAC 0.00001; gnomAD 0.00001; gnomAD exomes 0.00001.
gnomAD v4.1: 13 of 1,613,502 alleles (0.00081%); highest among the groups gnomAD compares: South Asian, 0.013%; no homozygotes.

Submission:

GeneDx
Classification: Uncertain significance. Last evaluated: 2022-06-01. Review status: criteria provided, single submitter. Criteria: GeneDx Variant Classification Process June 2021. Collection method: clinical testing. Allele origin: germline. Affected: yes.
Comment: In silico analysis supports that this missense variant does not alter protein structure/function; Has not been previously published as pathogenic or benign to our knowledge

NM_004447.6(EPS8):c.287C>G (p.Ala96Gly)

Gene: EPS8 (EGFR pathway substrate 8, signaling adaptor; minus strand). Cytogenetic location: 12p12.3.
Variant type: single nucleotide variant.
Coding change: c.287C>G on transcript NM_004447.6 (MANE Select); coding-DNA position 287, C replaced by G.
Protein change: p.Ala96Gly; replaces alanine 96 with glycine.
Molecular consequence: missense variant.
Genome position (GRCh38, 1-based): chr12:15,669,743, G>C on the plus strand (C>G on the coding strand, the complement: EPS8 is on the minus strand). VCF-style: chr12-15669743-G-C. GRCh37 (hg19) VCF-style: chr12-15822677-G-C.
Other names: c.287C>G, p.Ala96Gly (NM_001413831.1, NM_001413832.1, NM_001413833.1 and 3 more transcripts); c.47C>G, p.Ala16Gly (NM_001413835.1, NM_001413836.1); c.-135C>G (NM_001413837.1); short protein forms A16G, A96G.
Identifiers: ClinVar variation 1802053 (VCV001802053.1), dbSNP rs776013800, ClinGen allele CA6467915.